The following is an entry in ClinVar:

NM_001036.6(RYR3):c.79G>A (p.Ala27Thr)

Gene: RYR3 (ryanodine receptor 3; plus strand). Cytogenetic location: 15q14.
Variant type: single nucleotide variant.
Coding change: c.79G>A on transcript NM_001036.6 (MANE Select); coding-DNA position 79, G replaced by A.
Protein change: p.Ala27Thr; replaces alanine 27 with threonine.
Molecular consequence: missense variant.
Genome position (GRCh38, 1-based): chr15:33,473,446, G>A. VCF-style: chr15-33473446-G-A. GRCh37 (hg19) VCF-style: chr15-33765647-G-A.
Other names: c.79G>A, p.Ala27Thr (NM_001243996.4); short protein forms A27T.
Identifiers: ClinVar variation 1052415 (VCV001052415.9), dbSNP rs201612485, ClinGen allele CA7457694.
Genomic context (GRCh38, chr15:33,473,446, plus strand): 5'-TTACTCATGTTTGGGTCTCTCTTCTCCTGGCAGGAGGATGAAGTGGTACTCCAGTGCATC[G>A]CCACCATTCATAAGGAGCAGAGGAAGTTCTGCCTGGCAGCCGAGGGACTTGGGAATCGCC-3'
Protein context (NP_001027.3, residues 17-37): TEDEVVLQCI[Ala27Thr]TIHKEQRKFC

ClinVar aggregate classification (germline): Uncertain significance (1 of 4 stars; one submission).

Conditions:
Epileptic encephalopathy. Identifiers: MedGen C0543888, HP:0200134.

Allele frequency attached by ClinVar (database versions not stated): gnomAD 0.00001 and 0.00002; gnomAD exomes 0.00002 and 0.00003; TOPMed 0.00002; ExAC 0.00003; 1000 Genomes Project 30x 0.00031; 1000 Genomes Project 0.00040.
gnomAD v4.1: 52 of 1,613,790 alleles (0.0032%); highest among the groups gnomAD compares: East Asian, 0.011%; no homozygotes.

Submission:

Labcorp Genetics (formerly Invitae), Labcorp
Classification: Uncertain significance for Epileptic encephalopathy. Last evaluated: 2022-08-09. Review status: criteria provided, single submitter. Criteria: Invitae Variant Classification Sherloc (09022015). Collection method: clinical testing. Allele origin: germline.
Comment: This sequence change replaces alanine, which is neutral and non-polar, with threonine, which is neutral and polar, at codon 27 of the RYR3 protein (p.Ala27Thr). This variant is present in population databases (rs201612485, gnomAD 0.004%). This variant has not been reported in the literature in individuals affected with RYR3-related conditions. ClinVar contains an entry for this variant (Variation ID: 1052415). Algorithms developed to predict the effect of missense changes on protein structure and function are either unavailable or do not agree on the potential impact of this missense change (SIFT: "Deleterious"; PolyPhen-2: "Benign"; Align-GVGD: "Class C0"). In summary, the available evidence is currently insufficient to determine the role of this variant in disease. Therefore, it has been classified as a Variant of Uncertain Significance.